The following is an entry in ClinVar:

NM_001042492.3(NF1):c.2560_2570del (p.Gln854fs)

Gene: NF1 (neurofibromin 1; plus strand). Cytogenetic location: 17q11.2.
Variant type: Deletion.
Coding change: c.2560_2570del on transcript NM_001042492.3 (MANE Select); coding-DNA positions 2560 to 2570, 11 bases deleted (CAGAGAAGCAA).
Protein change: p.Gln854fs; shifts the reading frame from glutamine 854.
Molecular consequence: frameshift variant.
Genome position (GRCh38, 1-based): chr17:31,229,175-31,229,185, CAGAGAAGCAA deleted. VCF-style (leftmost placement, unchanged base first): chr17-31229174-GCAGAGAAGCAA-G. GRCh37 (hg19) VCF-style: chr17-29556192-GCAGAGAAGCAA-G.
Other names: c.2560_2570delCAGAGAAGCAA, p.Gln854Phefs (NM_000267.4); short protein forms Q854fs.
Identifiers: ClinVar variation 2756195 (VCV002756195.3), dbSNP rs2508184202, ClinGen allele CA2697559729.

ClinVar aggregate classification (germline): Pathogenic (1 of 4 stars; one submission).

Conditions:
Neurofibromatosis, type 1 (NF1). Also called: VON RECKLINGHAUSEN DISEASE; NEUROFIBROMATOSIS, TYPE I, SOMATIC; Peripheral type neurofibromatosis; Neurofibromatosis, type I. Identifiers: Orphanet 636, MedGen C0027831, MONDO:0018975, OMIM 162200. Disease mechanism: loss of function.

Submission:

Labcorp Genetics (formerly Invitae), Labcorp
Classification: Pathogenic for Neurofibromatosis, type 1. Last evaluated: 2023-08-28. Review status: criteria provided, single submitter. Criteria: Invitae Variant Classification Sherloc (09022015). Collection method: clinical testing. Allele origin: germline.
Comment: This variant has not been reported in the literature in individuals affected with NF1-related conditions. Algorithms developed to predict the effect of sequence changes on RNA splicing suggest that this variant may create or strengthen a splice site. For these reasons, this variant has been classified as Pathogenic. This variant is not present in population databases (gnomAD no frequency). This sequence change creates a premature translational stop signal (p.Gln854Phefs*7) in the NF1 gene. It is expected to result in an absent or disrupted protein product. Loss-of-function variants in NF1 are known to be pathogenic (PMID: 10712197, 23913538).

Literature cited by the submitters: PubMed 10712197; PubMed 23913538.